The following is an entry in ClinVar:

NM_001098.3(ACO2):c.2127C>T (p.Phe709=)

Genes: ACO2 (aconitase 2; plus strand), POLR3H (RNA polymerase III subunit H; minus strand). Cytogenetic location: 22q13.2.
Variant type: single nucleotide variant.
Coding change: c.2127C>T on transcript NM_001098.3 (MANE Select); coding-DNA position 2127, C replaced by T.
Protein change: p.Phe709=; no amino-acid change (phenylalanine 709 retained).
Molecular consequence: synonymous variant. On other transcripts: 3 prime UTR variant (5).
Genome position (GRCh38, 1-based): chr22:41,527,941, C>T. VCF-style: chr22-41527941-C-T. GRCh37 (hg19) VCF-style: chr22-41923945-C-T.
Other names: c.*1342G>A (NM_001018050.4, NM_001018052.4, NM_001282884.2 and 2 more transcripts).
Identifiers: ClinVar variation 379298 (VCV000379298.41), dbSNP rs182234596, ClinGen allele CA10257898.

ClinVar aggregate classification (germline): Benign/Likely benign. Review status: criteria provided, multiple submitters, no conflicts (2 of 4 stars). 4 submissions from 4 submitters: Benign (1); Likely benign (3). Last evaluated 2026-01-26.

Allele frequency attached by ClinVar (database versions not stated): TOPMed 0.00018; 1000 Genomes Project 30x 0.00031; gnomAD exomes 0.00033 and 0.00047; 1000 Genomes Project 0.00040; ExAC 0.00046; gnomAD 0.00048 and 0.00051.
gnomAD v4.1: 549 of 1,614,198 alleles (0.034%); highest among the groups gnomAD compares: Non-Finnish European, 0.03%; 3 homozygotes.

Submissions (4):

Labcorp Genetics (formerly Invitae), Labcorp
Classification: Benign. Last evaluated: 2026-01-26. Review status: criteria provided, single submitter. Criteria: Invitae Variant Classification Sherloc (09022015). Collection method: clinical testing. Allele origin: germline.

Blueprint Genetics
Classification: Likely benign. Last evaluated: 2024-10-17. Review status: criteria provided, single submitter. Criteria: ACMG Guidelines, 2015. Collection method: clinical testing. Allele origin: germline.

CeGaT Center for Human Genetics Tuebingen
Classification: Likely benign. Last evaluated: 2023-05-01. Review status: criteria provided, single submitter. Criteria: CeGaT Center For Human Genetics Tuebingen Variant Classification Criteria Version 2. Collection method: clinical testing. Allele origin: germline. Affected: yes. Observed: 1 variant allele.
Comment: ACO2: BP4, BP7

GeneDx
Classification: Likely benign. Last evaluated: 2020-03-30. Review status: criteria provided, single submitter. Criteria: GeneDx Variant Classification Process June 2021. Collection method: clinical testing. Allele origin: germline. Affected: yes.